The following is an entry in ClinVar:

ClinVar aggregate classification (germline): Uncertain significance. Review status: criteria provided, multiple submitters, no conflicts (2 of 4 stars). 7 submissions from 7 submitters: Uncertain significance (7). Last evaluated 2025-10-16.

Conditions:
Familial adenomatous polyposis 1 (FAP1). Also called: FAMILIAL ADENOMATOUS POLYPOSIS 1, ATTENUATED; POLYPOSIS, ADENOMATOUS INTESTINAL. Identifiers: MedGen C2713442, MONDO:0021056, OMIM 175100. Disease mechanism: loss of function.
Classic or attenuated familial adenomatous polyposis. Identifiers: MedGen CN372698, MONDO:0021057.
Hereditary cancer-predisposing syndrome. Also called: Hereditary Cancer Syndrome; Tumor predisposition; Hereditary neoplastic syndrome; Neoplastic Syndromes, Hereditary. Identifiers: Orphanet 140162, MedGen C0027672, MeSH D009386, MONDO:0015356.

Allele frequency attached by ClinVar (database versions not stated): ExAC 0.00001; gnomAD exomes below 0.00001.
gnomAD v4.1: 1 of 1,614,166 alleles (0.000062%); highest among the groups gnomAD compares: Non-Finnish European, 0.000085%; no homozygotes.

Submissions (7):

Labcorp Genetics (formerly Invitae), Labcorp
Classification: Uncertain significance for Familial adenomatous polyposis 1. Last evaluated: 2025-10-16. Review status: criteria provided, single submitter. Criteria: Invitae Variant Classification Sherloc (09022015). Collection method: clinical testing. Allele origin: germline.
Comment: This sequence change replaces histidine, which is basic and polar, with aspartic acid, which is acidic and polar, at codon 1629 of the APC protein (p.His1629Asp). This variant is present in population databases (rs765849654, gnomAD 0.0009%). This variant has not been reported in the literature in individuals affected with APC-related conditions. ClinVar contains an entry for this variant (Variation ID: 517285). Invitae Evidence Modeling of protein sequence and biophysical properties (such as structural, functional, and spatial information, amino acid conservation, physicochemical variation, residue mobility, and thermodynamic stability) indicates that this missense variant is not expected to disrupt APC protein function with a negative predictive value of 95%. In summary, the available evidence is currently insufficient to determine the role of this variant in disease. Therefore, it has been classified as a Variant of Uncertain Significance.

Ambry Genetics
Classification: Uncertain significance for Hereditary cancer-predisposing syndrome. Last evaluated: 2025-04-19. Review status: criteria provided, single submitter. Criteria: Ambry Variant Classification Scheme 2023. Collection method: clinical testing. Allele origin: germline.
Comment: The p.H1629D variant (also known as c.4885C>G), located in coding exon 15 of the APC gene, results from a C to G substitution at nucleotide position 4885. The histidine at codon 1629 is replaced by aspartic acid, an amino acid with similar properties. This alteration was detected in a study of 1,165 individuals with a history of colorectal cancer or colon polyps as well as 590 controls (Gordon AS et al. Am J Hum Genet, 2019 09;105:526-533). This amino acid position is well conserved in available vertebrate species. In addition, in silico predictors for this gene do not accurately predict pathogenicity. Since supporting evidence is limited at this time, the clinical significance of this alteration remains unclear.

All of Us Research Program, National Institutes of Health
Classification: Uncertain significance for Classic or attenuated familial adenomatous polyposis. Last evaluated: 2024-04-16. Review status: criteria provided, single submitter. Criteria: ACMG Guidelines, 2015. Collection method: clinical testing. Allele origin: germline. Inheritance: Autosomal dominant inheritance. Observed: 2 variant alleles, 2 heterozygotes.
Comment: This missense variant replaces histidine with aspartic acid at codon 1629 of the APC protein. Computational prediction is inconclusive regarding the impact of this variant on protein structure and function (internally defined REVEL score threshold 0.5 < inconclusive < 0.7, PMID: 27666373). To our knowledge, functional studies have not been reported for this variant. This variant has been reported in an individual affected with colorectal cancer or colonic polyps (PMID: 31422818). This variant has been identified in 1/251178 chromosomes in the general population by the Genome Aggregation Database (gnomAD). The available evidence is insufficient to determine the role of this variant in disease conclusively. Therefore, this variant is classified as a Variant of Uncertain Significance.

This study involves interpretation of variants in research participants for the purpose of population health screening. Participant phenotype was not available at the time of variant classification. Additional details can be found in publication PMID: 35346344, PMCID: PMC8962531

Color Diagnostics, LLC DBA Color Health
Classification: Uncertain significance for Hereditary cancer-predisposing syndrome. Last evaluated: 2024-04-04. Review status: criteria provided, single submitter. Criteria: ACMG Guidelines, 2015. Collection method: clinical testing. Allele origin: germline.
Comment: This missense variant replaces histidine with aspartic acid at codon 1629 of the APC protein. Computational prediction suggests that this variant may not impact protein structure and function. To our knowledge, functional studies have not been reported for this variant. This variant has been reported in an individual affected with colorectal cancer or colonic polyps (PMID: 31422818). This variant has been identified in 1/251178 chromosomes in the general population by the Genome Aggregation Database (gnomAD). The available evidence is insufficient to determine the role of this variant in disease conclusively. Therefore, this variant is classified as a Variant of Uncertain Significance.

Baylor Genetics
Classification: Uncertain significance for Familial adenomatous polyposis 1. Last evaluated: 2023-11-12. Review status: criteria provided, single submitter. Criteria: ACMG Guidelines, 2015. Collection method: clinical testing. Allele origin: unknown.

GeneDx
Classification: Uncertain significance. Last evaluated: 2023-01-19. Review status: criteria provided, single submitter. Criteria: GeneDx Variant Classification Process June 2021. Collection method: clinical testing. Allele origin: germline. Affected: yes.
Comment: Not observed at significant frequency in large population cohorts (gnomAD); In silico analysis supports that this missense variant does not alter protein structure/function; Observed in a colorectal cancer/polyps case-control study, but it is unclear whether it was detected in cases or controls (Gordon et al., 2019); This variant is associated with the following publications: (PMID: 18199528, 31422818)

Laboratory for Molecular Medicine, Mass General Brigham Personalized Medicine
Classification: Uncertain significance. Last evaluated: 2017-05-03. Review status: criteria provided, single submitter. Criteria: LMM Criteria. Collection method: clinical testing. Allele origin: germline. Observed: 1 variant allele.
Comment: The p.His1629Asp variant in APC has not been previously reported in individuals with familial adenomatous polyposis or other APC-associated disorders, but has b een identified in 1/66718 of European chromosomes by the Exome Aggregation Conso rtium (ExAC; rs765849654). Computational predict ion tools and conservation analysis do not provide strong support for or against an impact to the protein. In summary, the clinical significance of the p.His162 9Asp variant is uncertain.

Literature cited by the submitters: PubMed 31422818 (cited by 3 submitters).

NM_000038.6(APC):c.4885C>G (p.His1629Asp)

Gene: APC (APC regulator of Wnt signaling pathway; plus strand). Cytogenetic location: 5q22.2.
Variant type: single nucleotide variant.
Coding change: c.4885C>G on transcript NM_000038.6 (MANE Select); coding-DNA position 4885, C replaced by G.
Protein change: p.His1629Asp; replaces histidine 1629 with aspartic acid.
Molecular consequence: missense variant.
Genome position (GRCh38, 1-based): chr5:112,840,479, C>G. VCF-style: chr5-112840479-C-G. GRCh37 (hg19) VCF-style: chr5-112176176-C-G.
Other names: c.4885C>G, p.His1629Asp (NM_001127510.3, NM_001354895.2); c.4831C>G, p.His1611Asp (NM_001127511.3); c.4939C>G, p.His1647Asp (NM_001354896.2); c.4915C>G, p.His1639Asp (NM_001354897.2); c.4810C>G, p.His1604Asp (NM_001354898.2); c.4801C>G, p.His1601Asp (NM_001354899.2); c.4762C>G, p.His1588Asp (NM_001354900.2); c.4708C>G, p.His1570Asp (NM_001354901.2); and 5 more; short protein forms H1611D, H1629D, H1528D, H1346D, H1469D, H1503D, H1601D, H1538D.
Identifiers: ClinVar variation 517285 (VCV000517285.29), dbSNP rs765849654, ClinGen allele CA040025.